The following is an entry in ClinVar:

NC_000023.10:g.(?_153128098)_(153141311_?)del

Gene: L1CAM (L1 cell adhesion molecule; minus strand). Cytogenetic location: Xq28.
Variant type: Deletion.
Identifiers: ClinVar variation 458209 (VCV000458209.1).

ClinVar aggregate classification (germline): Pathogenic (1 of 4 stars; one submission).

Conditions:
Spastic paraplegia. Identifiers: MedGen C0037772, HP:0001258.

Submission:

Labcorp Genetics (formerly Invitae), Labcorp
Classification: Pathogenic for Spastic paraplegia. Last evaluated: 2017-06-02. Review status: criteria provided, single submitter. Criteria: Invitae Variant Classification Sherloc (09022015). Collection method: clinical testing. Allele origin: germline.
Comment: A gross deletion of the genomic region encompassing the full coding sequence of the L1CAM gene has been identified. The boundaries of this event are unknown as the deletion extends beyond the assayed region for this gene and therefore may encompass additional genes. Loss-of-function variants in L1CAM are known to be pathogenic (PMID: 23820807). A similar deletion encompassing the entire L1CAM coding region was reported in an individual affected with X-linked hydrocephalus (PMID: 11968085). For these reasons, this variant has been classified as Pathogenic.